The following is an entry in ClinVar:

ClinVar aggregate classification (germline): Uncertain significance (1 of 4 stars; one submission).

Allele frequency attached by ClinVar (database versions not stated): gnomAD exomes below 0.00001.
gnomAD v4.1: 2 of 1,613,424 alleles (0.00012%); highest among the groups gnomAD compares: Non-Finnish European, 0.00017%; no homozygotes.

Submission:

GeneDx
Classification: Uncertain significance. Last evaluated: 2013-10-23. Review status: criteria provided, single submitter. Criteria: GeneDx Variant Classification (06012015). Collection method: clinical testing. Allele origin: germline. Affected: yes.
Comment: p.Cys1806Tyr (TGT>TAT): c.5417 G>A in exon 27 of the SCN8A gene (NM_014191.3). The Cys1806Tyr missense change has not been published as a mutation, nor has it been reported as a benign polymorphism to our knowledge. It was not observed in approximately 6,500 individuals of European and African American ancestry in the NHLBI Exome Sequencing Project, indicating it is not a common benign variant in these populations. This variant is a semi-conservative substitution as Cysteine and Tyrosine are both uncharged, polar amino acids; however, the removal of a Cysteine, which effects disulfide bonding, may alter the secondary structure of the protein. The variant alters a position that is not highly conserved across species. In silico analysis is inconsistent with regard to the effect this variant may have on the protein structure/function. Therefore, based on the currently available information, it is unclear whether Cys1806Tyr is a disease-causing mutation or a rare benign variant. The variant is found in EPILEPSY panel(s).

NM_001330260.2(SCN8A):c.5417G>A (p.Cys1806Tyr)

Gene: SCN8A (sodium voltage-gated channel alpha subunit 8; plus strand). Cytogenetic location: 12q13.13.
Variant type: single nucleotide variant.
Coding change: c.5417G>A on transcript NM_001330260.2 (MANE Select); coding-DNA position 5417, G replaced by A.
Protein change: p.Cys1806Tyr; replaces cysteine 1806 with tyrosine.
Molecular consequence: missense variant.
Genome position (GRCh38, 1-based): chr12:51,806,903, G>A. VCF-style: chr12-51806903-G-A. GRCh37 (hg19) VCF-style: chr12-52200687-G-A.
Other names: p.C1806Y:TGT>TAT; c.5294G>A, p.Cys1765Tyr (NM_001177984.3, NM_001369788.1); c.5417G>A, p.Cys1806Tyr (NM_014191.4); short protein forms C1806Y, C1765Y.
Identifiers: ClinVar variation 207129 (VCV000207129.2), dbSNP rs796053226, ClinGen allele CA318296.